The following is an entry in ClinVar:

ClinVar aggregate classification (germline): Uncertain significance (1 of 4 stars; one submission).

Conditions:
Congenital contractural arachnodactyly (CCA). Also called: Beals-Hecht syndrome; BEALS SYNDROME; Arthrogryposis, distal, type 9. Identifiers: Orphanet 115, MedGen C0220668, MONDO:0007363, OMIM 121050.

Submission:

Labcorp Genetics (formerly Invitae), Labcorp
Classification: Uncertain significance for Congenital contractural arachnodactyly. Last evaluated: 2025-02-22. Review status: criteria provided, single submitter. Criteria: Invitae Variant Classification Sherloc (09022015). Collection method: clinical testing. Allele origin: germline.
Comment: This sequence change replaces glutamic acid, which is acidic and polar, with aspartic acid, which is acidic and polar, at codon 1555 of the FBN2 protein (p.Glu1555Asp). This variant is not present in population databases (gnomAD no frequency). This variant has not been reported in the literature in individuals affected with FBN2-related conditions. Invitae Evidence Modeling of protein sequence and biophysical properties (such as structural, functional, and spatial information, amino acid conservation, physicochemical variation, residue mobility, and thermodynamic stability) indicates that this missense variant is not expected to disrupt FBN2 protein function with a negative predictive value of 95%. In summary, the available evidence is currently insufficient to determine the role of this variant in disease. Therefore, it has been classified as a Variant of Uncertain Significance.

NM_001999.4(FBN2):c.4665G>T (p.Glu1555Asp)

Gene: FBN2 (fibrillin 2; minus strand). Cytogenetic location: 5q23.3.
Variant type: single nucleotide variant.
Coding change: c.4665G>T on transcript NM_001999.4 (MANE Select); coding-DNA position 4665, G replaced by T.
Protein change: p.Glu1555Asp; replaces glutamic acid 1555 with aspartic acid.
Molecular consequence: missense variant.
Genome position (GRCh38, 1-based): chr5:128,318,201, C>A on the plus strand (G>T on the coding strand, the complement: FBN2 is on the minus strand). VCF-style: chr5-128318201-C-A. GRCh37 (hg19) VCF-style: chr5-127653893-C-A.
Other names: short protein forms E1555D.
Identifiers: ClinVar variation 4695775 (VCV004695775.1).